The following is an entry in ClinVar:

ClinVar aggregate classification (germline): Uncertain significance (1 of 4 stars; one submission).

gnomAD v4.1: 10 of 1,583,226 alleles (0.00063%); highest among the groups gnomAD compares: African/African-American, 0.012%; no homozygotes.

Submission:

Ambry Genetics
Classification: Uncertain significance. Last evaluated: 2024-12-22. Review status: criteria provided, single submitter. Criteria: Ambry Variant Classification Scheme 2023. Collection method: clinical testing. Allele origin: germline.
Comment: The p.H1717Q variant (also known as c.5151C>A), located in coding exon 22 of the WNK2 gene, results from a C to A substitution at nucleotide position 5151. The histidine at codon 1717 is replaced by glutamine, an amino acid with highly similar properties. This amino acid position is conserved. In addition, this alteration is predicted to be tolerated by in silico analysis. Based on the available evidence, the clinical significance of this variant remains unclear.

NM_006648.4(WNK2):c.5151C>A (p.His1717Gln)

Gene: WNK2 (WNK lysine deficient protein kinase 2; plus strand). Cytogenetic location: 9q22.31.
Variant type: single nucleotide variant.
Coding change: c.5151C>A on transcript NM_006648.4 (MANE Select); coding-DNA position 5151, C replaced by A.
Protein change: p.His1717Gln; replaces histidine 1717 with glutamine.
Molecular consequence: missense variant.
Genome position (GRCh38, 1-based): chr9:93,292,616, C>A. VCF-style: chr9-93292616-C-A. GRCh37 (hg19) VCF-style: chr9-96054898-C-A.
Other names: c.5262C>A, p.His1754Gln (NM_001282394.3); short protein forms H1754Q, H1717Q.
Identifiers: ClinVar variation 3816605 (VCV003816605.1).